The following is an entry in ClinVar:

NM_001395413.1(POR):c.322C>T (p.Arg108Ter)

Gene: POR (cytochrome p450 oxidoreductase; plus strand). Cytogenetic location: 7q11.23.
Variant type: single nucleotide variant.
Coding change: c.322C>T on transcript NM_001395413.1 (MANE Select); coding-DNA position 322, C replaced by T.
Protein change: p.Arg108Ter; replaces arginine 108 with a stop codon.
Molecular consequence: nonsense.
Genome position (GRCh38, 1-based): chr7:75,979,544, C>T. VCF-style: chr7-75979544-C-T. GRCh37 (hg19) VCF-style: chr7-75608862-C-T.
Other names: c.322C>T, p.Arg108Ter (NM_001367562.3, NM_001382657.2, NM_001382658.3 and 2 more transcripts); c.376C>T, p.Arg126Ter (NM_001382655.3); short protein forms R108*, R126*.
Identifiers: ClinVar variation 2890333 (VCV002890333.3), dbSNP rs1181572912, ClinGen allele CA367747502.

ClinVar aggregate classification (germline): Pathogenic (1 of 4 stars; one submission).

Conditions:
Congenital adrenal hyperplasia due to cytochrome P450 oxidoreductase deficiency. Also called: DISORDERED STEROIDOGENESIS DUE TO POR DEFICIENCY. Identifiers: Orphanet 95699, MedGen C1860042, MONDO:0013310, OMIM 613571.

Allele frequency attached by ClinVar (database versions not stated): gnomAD exomes below 0.00001; TOPMed below 0.00001.
gnomAD v4.1: 4 of 1,613,550 alleles (0.00025%); highest among the groups gnomAD compares: Non-Finnish European, 0.00034%; no homozygotes.

Submission:

Labcorp Genetics (formerly Invitae), Labcorp
Classification: Pathogenic for Congenital adrenal hyperplasia due to cytochrome P450 oxidoreductase deficiency. Last evaluated: 2023-12-12. Review status: criteria provided, single submitter. Criteria: Invitae Variant Classification Sherloc (09022015). Collection method: clinical testing. Allele origin: germline.
Comment: This sequence change creates a premature translational stop signal (p.Arg111*) in the POR gene. It is expected to result in an absent or disrupted protein product. Loss-of-function variants in POR are known to be pathogenic (PMID: 14758361, 20732302, 21741353). This variant is not present in population databases (gnomAD no frequency). This variant has not been reported in the literature in individuals affected with POR-related conditions. For these reasons, this variant has been classified as Pathogenic.

Literature cited by the submitters: PubMed 14758361; PubMed 20732302; PubMed 21741353.